The following is an entry in ClinVar:

ClinVar aggregate classification (germline): Uncertain significance (1 of 4 stars; one submission).

Conditions:
Immunodeficiency-centromeric instability-facial anomalies syndrome 2 (ICF2). Identifiers: Orphanet 2268, MedGen C3279748, MONDO:0013553, OMIM 614069.

Allele frequency attached by ClinVar (database versions not stated): TOPMed below 0.00001.
gnomAD v4.1: 1 of 1,614,078 alleles (0.000062%); no homozygotes.

Submission:

Labcorp Genetics (formerly Invitae), Labcorp
Classification: Uncertain significance for Immunodeficiency-centromeric instability-facial anomalies syndrome 2. Last evaluated: 2022-11-06. Review status: criteria provided, single submitter. Criteria: Invitae Variant Classification Sherloc (09022015). Collection method: clinical testing. Allele origin: germline.
Comment: This variant has not been reported in the literature in individuals affected with ZBTB24-related conditions. This variant is not present in population databases (gnomAD no frequency). This sequence change replaces aspartic acid, which is acidic and polar, with valine, which is neutral and non-polar, at codon 240 of the ZBTB24 protein (p.Asp240Val). Algorithms developed to predict the effect of missense changes on protein structure and function are either unavailable or do not agree on the potential impact of this missense change (SIFT: "Not Available"; PolyPhen-2: "Possibly Damaging"; Align-GVGD: "Not Available"). In summary, the available evidence is currently insufficient to determine the role of this variant in disease. Therefore, it has been classified as a Variant of Uncertain Significance.

NM_014797.3(ZBTB24):c.719A>T (p.Asp240Val)

Gene: ZBTB24 (zinc finger and BTB domain containing 24; minus strand). Cytogenetic location: 6q21.
Variant type: single nucleotide variant.
Coding change: c.719A>T on transcript NM_014797.3 (MANE Select); coding-DNA position 719, A replaced by T.
Protein change: p.Asp240Val; replaces aspartic acid 240 with valine.
Molecular consequence: missense variant.
Genome position (GRCh38, 1-based): chr6:109,481,308, T>A on the plus strand (A>T on the coding strand, the complement: ZBTB24 is on the minus strand). VCF-style: chr6-109481308-T-A. GRCh37 (hg19) VCF-style: chr6-109802511-T-A.
Other names: c.719A>T, p.Asp240Val (NM_001164313.2); short protein forms D240V.
Identifiers: ClinVar variation 2812381 (VCV002812381.3), dbSNP rs1776407163, ClinGen allele CA365208580.